The following is an entry in ClinVar:

ClinVar aggregate classification (germline): Benign (1 of 4 stars; one submission).

Allele frequency attached by ClinVar (database versions not stated): gnomAD 0.29385 and 0.29401; 1000 Genomes Project 30x 0.29403; 1000 Genomes Project 0.29633; TOPMed 0.29740.
gnomAD v4.1: 44,681 of 151,980 alleles (29%); highest among the groups gnomAD compares: Middle Eastern, 40%; 6,686 homozygotes.

Submission:

GeneDx
Classification: Benign. Last evaluated: 2018-06-14. Review status: criteria provided, single submitter. Criteria: GeneDx Variant Classification (06012015). Collection method: clinical testing. Allele origin: germline. Affected: yes.
Comment: This variant is considered likely benign or benign based on one or more of the following criteria: it is a conservative change, it occurs at a poorly conserved position in the protein, it is predicted to be benign by multiple in silico algorithms, and/or has population frequency not consistent with disease.

NM_005045.4(RELN):c.1290-305G>C

Gene: RELN (reelin; minus strand). Cytogenetic location: 7q22.1.
Variant type: single nucleotide variant.
Coding change: c.1290-305G>C on transcript NM_005045.4 (MANE Select); 305 bases into the intron before coding-DNA position 1290, G replaced by C.
Molecular consequence: intron variant.
Genome position (GRCh38, 1-based): chr7:103,661,832, C>G on the plus strand (G>C on the coding strand, the complement: RELN is on the minus strand). VCF-style: chr7-103661832-C-G. GRCh37 (hg19) VCF-style: chr7-103302279-C-G.
Other names: c.1290-305G>C (NM_173054.3).
Identifiers: ClinVar variation 670722 (VCV000670722.1), dbSNP rs11974325, ClinGen allele CA12569942.